The following is an entry in ClinVar:

ClinVar aggregate classification (germline): Uncertain significance (1 of 4 stars; one submission).

Conditions:
Creatine transporter deficiency (CCDS1). Also called: CEREBRAL CREATINE DEFICIENCY SYNDROME 1; Creatine Transporter (CRTR) Deficiency; Mental retardation , X-linked with seizures, short stature and midface hypoplasia; Mental retardation , X-linked, with creatine transport deficiency; X-linked creatine transporter deficiency; X-linked creatine deficiency syndrome. Identifiers: Orphanet 52503, MedGen C1845862, MONDO:0010305, OMIM 300352.

gnomAD v4.1: 1 of 1,195,576 alleles (0.000084%); highest among the groups gnomAD compares: South Asian, 0.0018%; no homozygotes.

Submission:

Labcorp Genetics (formerly Invitae), Labcorp
Classification: Uncertain significance for Creatine transporter deficiency. Last evaluated: 2025-09-07. Review status: criteria provided, single submitter. Criteria: Invitae Variant Classification Sherloc (09022015). Collection method: clinical testing. Allele origin: germline.
Comment: This sequence change replaces threonine, which is neutral and polar, with serine, which is neutral and polar, at codon 586 of the SLC6A8 protein (p.Thr586Ser). This variant is not present in population databases (gnomAD no frequency). This variant has not been reported in the literature in individuals affected with SLC6A8-related conditions. Invitae Evidence Modeling of protein sequence and biophysical properties (such as structural, functional, and spatial information, amino acid conservation, physicochemical variation, residue mobility, and thermodynamic stability) indicates that this missense variant is not expected to disrupt SLC6A8 protein function with a negative predictive value of 95%. In summary, the available evidence is currently insufficient to determine the role of this variant in disease. Therefore, it has been classified as a Variant of Uncertain Significance.

NM_005629.4(SLC6A8):c.1757C>G (p.Thr586Ser)

Gene: SLC6A8 (solute carrier family 6 member 8; plus strand). Cytogenetic location: Xq28.
Variant type: single nucleotide variant.
Coding change: c.1757C>G on transcript NM_005629.4 (MANE Select); coding-DNA position 1757, C replaced by G.
Protein change: p.Thr586Ser; replaces threonine 586 with serine.
Molecular consequence: missense variant.
Genome position (GRCh38, 1-based): chrX:153,694,879, C>G. VCF-style: chrX-153694879-C-G. GRCh37 (hg19) VCF-style: chrX-152960334-C-G.
Other names: c.1727C>G, p.Thr576Ser (NM_001142805.2); c.1412C>G, p.Thr471Ser (NM_001142806.1); short protein forms T471S, T586S, T576S.
Identifiers: ClinVar variation 4694574 (VCV004694574.1).